The following is an entry in ClinVar:

NM_003791.4(MBTPS1):c.1341C>T (p.Ile447=)

Gene: MBTPS1 (membrane bound transcription factor peptidase, site 1; minus strand). Cytogenetic location: 16q23.3.
Variant type: single nucleotide variant.
Coding change: c.1341C>T on transcript NM_003791.4 (MANE Select); coding-DNA position 1341, C replaced by T.
Protein change: p.Ile447=; no amino-acid change (isoleucine 447 retained).
Molecular consequence: synonymous variant.
Genome position (GRCh38, 1-based): chr16:84,081,854, G>A on the plus strand (C>T on the coding strand, the complement: MBTPS1 is on the minus strand). VCF-style: chr16-84081854-G-A. GRCh37 (hg19) VCF-style: chr16-84115459-G-A.
Other names: c.1341C>T (NM_003791.3).
Identifiers: ClinVar variation 2060104 (VCV002060104.6), dbSNP rs149021936, ClinGen allele CA8201354.
Genomic context (GRCh38, chr16:84,081,854, plus strand): 5'-ATCGAGCTTGCCGTGGCCTTGCTCAAACATGTTGACCCCGGGGAGCCTCCGGGCTGACGC[G>A]ATCAGGGCCTGCTTCATACTGGCGGGATTCACCAGCTCACGCTTCTGGACTGTGCTGGAG-3'
Protein context (NP_003782.1, residues 437-457): VNPASMKQAL[Ile447=]ASARRLPGVN

ClinVar aggregate classification (germline): Benign. Review status: criteria provided, single submitter (1 of 4 stars). 2 submissions from 2 submitters: Benign (1). 1 of the submissions does not count toward it. Last evaluated 2025-11-22.

Conditions:
MBTPS1-related disorder. Also called: MBTPS1-related condition.

Allele frequency attached by ClinVar (database versions not stated): ESP Exome Variant Server 0.00100; gnomAD 0.00170; TOPMed 0.00212; ExAC 0.00234; 1000 Genomes Project 30x 0.00406; 1000 Genomes Project 0.00439.
gnomAD v4.1: 1,293 of 1,520,550 alleles (0.085%); highest among the groups gnomAD compares: East Asian, 1.9%; 11 homozygotes.

Submissions (2):

Labcorp Genetics (formerly Invitae), Labcorp
Classification: Benign. Last evaluated: 2025-11-22. Review status: criteria provided, single submitter. Criteria: Invitae Variant Classification Sherloc (09022015). Collection method: clinical testing. Allele origin: germline.

PreventionGenetics, part of Exact Sciences
Classification: Benign for MBTPS1-related condition. Last evaluated: 2019-07-15. Review status: no assertion criteria provided. Collection method: clinical testing. Allele origin: germline. Not counted in ClinVar's aggregate classification.
Comment: This variant is classified as benign based on ACMG/AMP sequence variant interpretation guidelines (Richards et al. 2015 PMID: 25741868, with internal and published modifications).